The following is an entry in ClinVar:

ClinVar aggregate classification (germline): Uncertain significance. Review status: criteria provided, multiple submitters, no conflicts (2 of 4 stars). 2 submissions from 2 submitters: Uncertain significance (2). Last evaluated 2025-10-02.

Conditions:
Hereditary cancer-predisposing syndrome. Also called: Tumor predisposition; Hereditary neoplastic syndrome; Neoplastic Syndromes, Hereditary; Hereditary Cancer Syndrome. Identifiers: Orphanet 140162, MedGen C0027672, MeSH D009386, MONDO:0015356.

Allele frequency attached by ClinVar (database versions not stated): TOPMed below 0.00001; gnomAD 0.00001.
gnomAD v4.1: 1 of 1,613,888 alleles (0.000062%); highest among the groups gnomAD compares: Non-Finnish European, 0.000085%; no homozygotes.

Submissions (2):

Ambry Genetics
Classification: Uncertain significance for Hereditary cancer-predisposing syndrome. Last evaluated: 2025-10-02. Review status: criteria provided, single submitter. Criteria: Ambry Variant Classification Scheme 2023. Collection method: clinical testing. Allele origin: germline.
Comment: The p.S696N variant (also known as c.2087G>A), located in coding exon 14 of the CTNNA1 gene, results from a G to A substitution at nucleotide position 2087. The serine at codon 696 is replaced by asparagine, an amino acid with highly similar properties. This amino acid position is highly conserved in available vertebrate species. In addition, this alteration is predicted to be tolerated by in silico analysis. Based on the available evidence, the clinical significance of this variant remains unclear.

Labcorp Genetics (formerly Invitae), Labcorp
Classification: Uncertain significance. Last evaluated: 2025-06-29. Review status: criteria provided, single submitter. Criteria: Invitae Variant Classification Sherloc (09022015). Collection method: clinical testing. Allele origin: germline.
Comment: This sequence change replaces serine, which is neutral and polar, with asparagine, which is neutral and polar, at codon 696 of the CTNNA1 protein (p.Ser696Asn). This variant is not present in population databases (gnomAD no frequency). This variant has not been reported in the literature in individuals affected with CTNNA1-related conditions. ClinVar contains an entry for this variant (Variation ID: 664587). Invitae Evidence Modeling of protein sequence and biophysical properties (such as structural, functional, and spatial information, amino acid conservation, physicochemical variation, residue mobility, and thermodynamic stability) indicates that this missense variant is not expected to disrupt CTNNA1 protein function with a negative predictive value of 80%. In summary, the available evidence is currently insufficient to determine the role of this variant in disease. Therefore, it has been classified as a Variant of Uncertain Significance.

NM_001903.5(CTNNA1):c.2087G>A (p.Ser696Asn)

Gene: CTNNA1 (catenin alpha 1; plus strand). Cytogenetic location: 5q31.2.
Variant type: single nucleotide variant.
Coding change: c.2087G>A on transcript NM_001903.5 (MANE Select); coding-DNA position 2087, G replaced by A.
Protein change: p.Ser696Asn; replaces serine 696 with asparagine.
Molecular consequence: missense variant.
Genome position (GRCh38, 1-based): chr5:138,930,549, G>A. VCF-style: chr5-138930549-G-A. GRCh37 (hg19) VCF-style: chr5-138266238-G-A.
Other names: c.2087G>A (NM_001903.2); c.2087G>A, p.Ser696Asn (NM_001290307.3, NM_001323982.2, NM_001323983.1 and 2 more transcripts); c.1778G>A, p.Ser593Asn (NM_001290309.3); c.1718G>A, p.Ser573Asn (NM_001290310.3); c.977G>A, p.Ser326Asn (NM_001290312.1, NM_001323987.1, NM_001323988.1 and 17 more transcripts); c.1994G>A, p.Ser665Asn (NM_001323986.2); c.638G>A, p.Ser213Asn (NM_001324006.1, NM_001324007.1, NM_001324008.1 and 2 more transcripts); c.884G>A, p.Ser295Asn (NM_001324011.1); and 1 more; short protein forms S245N, S696N, S213N, S593N, S295N, S326N, S573N, S665N.
Identifiers: ClinVar variation 664587 (VCV000664587.7), dbSNP rs1414571764, ClinGen allele CA361133471.